The following is an entry in ClinVar:

NM_144670.6(A2ML1):c.2009A>G (p.Asp670Gly)

Gene: A2ML1 (alpha-2-macroglobulin like 1; plus strand). Cytogenetic location: 12p13.31.
Variant type: single nucleotide variant.
Coding change: c.2009A>G on transcript NM_144670.6 (MANE Select); coding-DNA position 2009, A replaced by G.
Protein change: p.Asp670Gly; replaces aspartic acid 670 with glycine.
Molecular consequence: missense variant.
Genome position (GRCh38, 1-based): chr12:8,848,895, A>G. VCF-style: chr12-8848895-A-G. GRCh37 (hg19) VCF-style: chr12-9001491-A-G.
Other names: c.536A>G, p.Asp179Gly (NM_001282424.3); short protein forms D179G, D670G.
Identifiers: ClinVar variation 2919881 (VCV002919881.3), dbSNP rs775723629, ClinGen allele CA6435861.

ClinVar aggregate classification (germline): Uncertain significance (1 of 4 stars; one submission).

Allele frequency attached by ClinVar (database versions not stated): ExAC 0.00001.

Submission:

Labcorp Genetics (formerly Invitae), Labcorp
Classification: Uncertain significance. Last evaluated: 2023-02-02. Review status: criteria provided, single submitter. Criteria: Invitae Variant Classification Sherloc (09022015). Collection method: clinical testing. Allele origin: germline.
Comment: This sequence change replaces aspartic acid, which is acidic and polar, with glycine, which is neutral and non-polar, at codon 670 of the A2ML1 protein (p.Asp670Gly). This variant is present in population databases (rs775723629, gnomAD 0.006%). This variant has not been reported in the literature in individuals affected with A2ML1-related conditions. Algorithms developed to predict the effect of missense changes on protein structure and function are either unavailable or do not agree on the potential impact of this missense change (SIFT: "Tolerated"; PolyPhen-2: "Possibly Damaging"; Align-GVGD: "Class C0"). In summary, the available evidence is currently insufficient to determine the role of this variant in disease. Therefore, it has been classified as a Variant of Uncertain Significance.